The following is an entry in ClinVar:

ClinVar aggregate classification (germline): Conflicting classifications of pathogenicity. Review status: criteria provided, conflicting classifications (1 of 4 stars). 8 submissions from 6 submitters: Uncertain significance (7); Benign (1). Last evaluated 2026-02-03.

Conditions:
SDHA-related disorder. Also called: SDHA-related disorders; SDHA-related condition.
Dilated cardiomyopathy 1GG (CMD1GG). Identifiers: Orphanet 154, MedGen C3150898, MONDO:0013339, OMIM 613642.
Mitochondrial complex II deficiency, nuclear type 1. Also called: SUCCINATE CoQ REDUCTASE DEFICIENCY. Identifiers: Orphanet 3208, MedGen C5700310, MONDO:0100294, OMIM 252011.
Pheochromocytoma/paraganglioma syndrome 5. Also called: SDHA-Related Hereditary Paraganglioma-Pheochromocytoma Syndrome; Paragangliomas 5. Identifiers: Orphanet 29072, MedGen C3279992, MONDO:0013602, OMIM 614165.
Leigh syndrome (NULS). Also called: Leigh Disease; Leigh Syndrome (mtDNA deletion); Leigh's necrotizing encephalopathy; Leigh's disease; Leigh's syndrome; LEIGH SYNDROME, NUCLEAR. Identifiers: Orphanet 506, MedGen C2931891, MONDO:0009723, OMIM 256000.
Hereditary cancer-predisposing syndrome. Also called: Hereditary neoplastic syndrome; Neoplastic Syndromes, Hereditary; Hereditary Cancer Syndrome; Tumor predisposition. Identifiers: Orphanet 140162, MedGen C0027672, MeSH D009386, MONDO:0015356.
Hereditary pheochromocytoma and paraganglioma. Also called: Hereditary Paraganglioma-Pheochromocytoma Syndromes; Hereditary pheochromocytoma-paraganglioma; Hereditary paragangliomas and pheochromocytomas. Identifiers: Orphanet 29072, MedGen C4274332, MONDO:0017366.

Allele frequency attached by ClinVar (database versions not stated): gnomAD 0.00002; ExAC 0.00003; gnomAD exomes 0.00003 and 0.00004; TOPMed 0.00003.
gnomAD v4.1: 43 of 1,611,866 alleles (0.0027%); highest among the groups gnomAD compares: Admixed American, 0.012%; no homozygotes.

Submissions (8):

Labcorp Genetics (formerly Invitae), Labcorp
Classification: Uncertain significance for Pheochromocytoma/paraganglioma syndrome 5; Mitochondrial complex II deficiency, nuclear type 1. Last evaluated: 2026-02-03. Review status: criteria provided, single submitter. Criteria: Invitae Variant Classification Sherloc (09022015). Collection method: clinical testing. Allele origin: germline.
Comment: This sequence change replaces arginine, which is basic and polar, with histidine, which is basic and polar, at codon 527 of the SDHA protein (p.Arg527His). This variant is present in population databases (rs766352407, gnomAD 0.02%). This variant has not been reported in the literature in individuals affected with SDHA-related conditions. ClinVar contains an entry for this variant (Variation ID: 353205). Invitae Evidence Modeling of protein sequence and biophysical properties (such as structural, functional, and spatial information, amino acid conservation, physicochemical variation, residue mobility, and thermodynamic stability) indicates that this missense variant is expected to disrupt SDHA protein function with a positive predictive value of 95%. In summary, the available evidence is currently insufficient to determine the role of this variant in disease. Therefore, it has been classified as a Variant of Uncertain Significance.

Quest Diagnostics Nichols Institute San Juan Capistrano
Classification: Uncertain significance. Last evaluated: 2025-11-07. Review status: criteria provided, single submitter. Criteria: Quest Diagnostics criteria. Collection method: clinical testing. Allele origin: unknown.
Comment: The SDHA c.1580G>A (p.Arg527His) variant has not been reported in the published literature in individuals with SDHA-related disorders. However, this variant has been identified in a child with autism spectrum disorder (PMID: 25363768 (2014)). The frequency of this variant in the general population (Genome Aggregation Database) is uninformative in the assessment of its pathogenicity. Analysis of this variant using bioinformatics tools for the prediction of the effect of amino acid changes on protein structure and function yielded predictions that this variant is damaging. Based on the available information, we are unable to determine the clinical significance of this variant.

PreventionGenetics, part of Exact Sciences
Classification: Uncertain significance for SDHA-related condition. Last evaluated: 2025-05-02. Review status: criteria provided, single submitter. Criteria: ACMG Guidelines, 2015. Collection method: clinical testing. Allele origin: germline.
Comment: The SDHA c.1580G>A variant is predicted to result in the amino acid substitution p.Arg527His. To our knowledge, this variant has not been reported in individuals with SDHA-related disease. This variant is reported in 0.016% of alleles in individuals of East Asian descent in gnomAD. This variant has conflicting interpretations in ClinVar ranging from uncertain to benign. At this time, the clinical significance of this variant is uncertain due to the absence of conclusive functional and genetic evidence.

Baylor Genetics
Classification: Uncertain significance for Dilated cardiomyopathy 1GG. Last evaluated: 2024-03-28. Review status: criteria provided, single submitter. Criteria: ACMG Guidelines, 2015. Collection method: clinical testing. Allele origin: unknown.

Ambry Genetics
Classification: Uncertain significance for Hereditary cancer-predisposing syndrome. Last evaluated: 2023-11-28. Review status: criteria provided, single submitter. Criteria: Ambry Variant Classification Scheme 2023. Collection method: clinical testing. Allele origin: germline.
Comment: The p.R527H variant (also known as c.1580G>A), located in coding exon 12 of the SDHA gene, results from a G to A substitution at nucleotide position 1580. The arginine at codon 527 is replaced by histidine, an amino acid with highly similar properties. This amino acid position is highly conserved in available vertebrate species. In addition, this alteration is predicted to be deleterious by in silico analysis. Since supporting evidence is limited at this time, the clinical significance of this alteration remains unclear.

Illumina Laboratory Services, Illumina
Classification: Uncertain significance for Leigh syndrome. Last evaluated: 2018-01-13. Review status: criteria provided, single submitter. Criteria: ICSL Variant Classification Criteria 13 December 2019. Collection method: clinical testing. Allele origin: germline.

Illumina Laboratory Services, Illumina
Classification: Uncertain significance for Mitochondrial complex II deficiency, nuclear type 1. Last evaluated: 2018-01-13. Review status: criteria provided, single submitter. Criteria: ICSL Variant Classification Criteria 13 December 2019. Collection method: clinical testing. Allele origin: germline.

Illumina Laboratory Services, Illumina
Classification: Benign for Hereditary Paraganglioma-Pheochromocytoma Syndromes. Last evaluated: 2018-01-13. Review status: criteria provided, single submitter. Criteria: ICSL Variant Classification Criteria 13 December 2019. Collection method: clinical testing. Allele origin: germline.
Comment: This variant was observed in the ICSL laboratory as part of a predisposition screen in an ostensibly healthy population. It had not been previously curated by ICSL or reported in the Human Gene Mutation Database (HGMD: prior to June 1st, 2018), and was therefore a candidate for classification through an automated scoring system. Utilizing variant allele frequency, disease prevalence and penetrance estimates, and inheritance mode, an automated score was calculated to assess if this variant is too frequent to cause the disease. Based on the score and internal cut-off values, a variant classified as benign is not then subjected to further curation. The score for this variant resulted in a classification of benign for this disease.

Literature cited by the submitters: PubMed 25363768 (cited by Quest Diagnostics Nichols Institute San Juan Capistrano and Ambry Genetics); PubMed 28714951 (cited by Ambry Genetics).

NM_004168.4(SDHA):c.1580G>A (p.Arg527His)

Gene: SDHA (succinate dehydrogenase complex flavoprotein subunit A; plus strand). Cytogenetic location: 5p15.33.
Variant type: single nucleotide variant.
Coding change: c.1580G>A on transcript NM_004168.4 (MANE Select); coding-DNA position 1580, G replaced by A.
Protein change: p.Arg527His; replaces arginine 527 with histidine.
Molecular consequence: missense variant. On other transcripts: intron variant (1).
Genome position (GRCh38, 1-based): chr5:251,020, G>A. VCF-style: chr5-251020-G-A. GRCh37 (hg19) VCF-style: chr5-251135-G-A.
Other names: c.1436G>A, p.Arg479His (NM_001294332.2); c.1552-3373G>A (NM_001330758.2); short protein forms R527H, R479H.
Identifiers: ClinVar variation 353205 (VCV000353205.27), dbSNP rs766352407, ClinGen allele CA3173301.